The following is an entry in ClinVar:

NM_139276.3(STAT3):c.2269T>C (p.Phe757Leu)

Gene: STAT3 (signal transducer and activator of transcription 3; minus strand). Cytogenetic location: 17q21.2.
Variant type: single nucleotide variant.
Coding change: c.2269T>C on transcript NM_139276.3 (MANE Select); coding-DNA position 2269, T replaced by C.
Protein change: p.Phe757Leu; replaces phenylalanine 757 with leucine.
Molecular consequence: missense variant. On other transcripts: 3 prime UTR variant (7).
Genome position (GRCh38, 1-based): chr17:42,315,789, A>G on the plus strand (T>C on the coding strand, the complement: STAT3 is on the minus strand). VCF-style: chr17-42315789-A-G. GRCh37 (hg19) VCF-style: chr17-40467807-A-G.
Other names: c.2269T>C, p.Phe757Leu (NM_001369512.1, NM_001369513.1); c.2266T>C, p.Phe756Leu (NM_001369514.1, NM_001369516.1, NM_003150.4); c.*50T>C (NM_001369517.1, NM_001369518.1, NM_001369519.1 and 4 more transcripts); c.2185T>C, p.Phe729Leu (NM_001384984.1); c.2191T>C, p.Phe731Leu (NM_001384985.1); c.2248T>C, p.Phe750Leu (NM_001384987.1); c.2173T>C, p.Phe725Leu (NM_001384988.1); c.2170T>C, p.Phe724Leu (NM_001384989.1); and 3 more; short protein forms F724L, F725L, F729L, F731L, F737L, F748L, F750L, F753L.
Identifiers: ClinVar variation 2647786 (VCV002647786.24), dbSNP rs2144606568, ClinGen allele CA399579119.

ClinVar aggregate classification (germline): Uncertain significance (1 of 4 stars; one submission).

Submission:

CeGaT Center for Human Genetics Tuebingen
Classification: Uncertain significance. Last evaluated: 2022-06-01. Review status: criteria provided, single submitter. Criteria: CeGaT Center For Human Genetics Tuebingen Variant Classification Criteria Version 2. Collection method: clinical testing. Allele origin: germline. Affected: yes. Observed: 1 variant allele.
Comment: STAT3: PM2, PP2